The following is an entry in ClinVar:

NM_002519.3(NPAT):c.401G>A (p.Ser134Asn)

Gene: NPAT (nuclear protein, coactivator of histone transcription; minus strand). Cytogenetic location: 11q22.3.
Variant type: single nucleotide variant.
Coding change: c.401G>A on transcript NM_002519.3 (MANE Select); coding-DNA position 401, G replaced by A.
Protein change: p.Ser134Asn; replaces serine 134 with asparagine.
Molecular consequence: missense variant.
Genome position (GRCh38, 1-based): chr11:108,189,261, C>T on the plus strand (G>A on the coding strand, the complement: NPAT is on the minus strand). VCF-style: chr11-108189261-C-T. GRCh37 (hg19) VCF-style: chr11-108059988-C-T.
Other names: c.401G>A, p.Ser134Asn (NM_001321307.1); short protein forms S134N.
Identifiers: ClinVar variation 3407152 (VCV003407152.1).

ClinVar aggregate classification (germline): Uncertain significance (1 of 4 stars; one submission).

Submission:

Ambry Genetics
Classification: Uncertain significance. Last evaluated: 2024-07-05. Review status: criteria provided, single submitter. Criteria: Ambry Variant Classification Scheme 2023. Collection method: clinical testing. Allele origin: germline.
Comment: The p.S134N variant (also known as c.401G>A), located in coding exon 6 of the NPAT gene, results from a G to A substitution at nucleotide position 401. The serine at codon 134 is replaced by asparagine, an amino acid with highly similar properties. This amino acid position is conserved. In addition, this alteration is predicted to be tolerated by in silico analysis. Based on the available evidence, the clinical significance of this variant remains unclear.